The following is an entry in ClinVar:

NM_000400.4(ERCC2):c.1015T>A (p.Tyr339Asn)

Gene: ERCC2 (ERCC excision repair 2, TFIIH core complex helicase subunit; minus strand). Cytogenetic location: 19q13.32.
Variant type: single nucleotide variant.
Coding change: c.1015T>A on transcript NM_000400.4 (MANE Select); coding-DNA position 1015, T replaced by A.
Protein change: p.Tyr339Asn; replaces tyrosine 339 with asparagine.
Molecular consequence: missense variant.
Genome position (GRCh38, 1-based): chr19:45,363,846, A>T on the plus strand (T>A on the coding strand, the complement: ERCC2 is on the minus strand). VCF-style: chr19-45363846-A-T. GRCh37 (hg19) VCF-style: chr19-45867104-A-T.
Other names: c.943T>A, p.Tyr315Asn (NM_001130867.2); short protein forms Y339N, Y315N.
Identifiers: ClinVar variation 3509835 (VCV003509835.1).

ClinVar aggregate classification (germline): Uncertain significance (1 of 4 stars; one submission).

Conditions:
Inborn genetic diseases. Identifiers: MedGen C0950123, MeSH D030342.

gnomAD v4.1: 1 of 1,548,800 alleles (0.000065%); highest among the groups gnomAD compares: Non-Finnish European, 0.000087%; no homozygotes.

Submission:

Ambry Genetics
Classification: Uncertain significance for Inborn genetic diseases. Last evaluated: 2024-07-26. Review status: criteria provided, single submitter. Criteria: Ambry Variant Classification Scheme 2023. Collection method: clinical testing. Allele origin: germline.
Comment: The p.Y339N variant (also known as c.1015T>A), located in coding exon 11 of the ERCC2 gene, results from a T to A substitution at nucleotide position 1015. The tyrosine at codon 339 is replaced by asparagine, an amino acid with dissimilar properties. This amino acid position is conserved. In addition, the in silico prediction for this alteration is inconclusive. Based on the available evidence, the clinical significance of this variant remains unclear.